The following is an entry in ClinVar:

NM_001364905.1(LRBA):c.1874A>G (p.Tyr625Cys)

Gene: LRBA (LPS responsive beige-like anchor protein; minus strand). Cytogenetic location: 4q31.3.
Variant type: single nucleotide variant.
Coding change: c.1874A>G on transcript NM_001364905.1 (MANE Select); coding-DNA position 1874, A replaced by G.
Protein change: p.Tyr625Cys; replaces tyrosine 625 with cysteine.
Molecular consequence: missense variant.
Genome position (GRCh38, 1-based): chr4:150,900,099, T>C on the plus strand (A>G on the coding strand, the complement: LRBA is on the minus strand). VCF-style: chr4-150900099-T-C. GRCh37 (hg19) VCF-style: chr4-151821251-T-C.
Other names: c.1874A>G, p.Tyr625Cys (NM_001199282.3, NM_001367550.1, NM_006726.5); short protein forms Y625C.
Identifiers: ClinVar variation 1945343 (VCV001945343.2), dbSNP rs1490822051, ClinGen allele CA358430123.

ClinVar aggregate classification (germline): Uncertain significance (1 of 4 stars; one submission).

Conditions:
Combined immunodeficiency due to LRBA deficiency. Also called: Common variable immunodeficiency 8, with autoimmunity. Identifiers: Orphanet 445018, MedGen C3553512, MONDO:0013863, OMIM 614700.

Allele frequency attached by ClinVar (database versions not stated): gnomAD exomes 0.00001; TOPMed 0.00001.
gnomAD v4.1: 18 of 1,613,536 alleles (0.0011%); highest among the groups gnomAD compares: Non-Finnish European, 0.0014%; no homozygotes.

Submission:

Labcorp Genetics (formerly Invitae), Labcorp
Classification: Uncertain significance for Combined immunodeficiency due to LRBA deficiency. Last evaluated: 2022-05-04. Review status: criteria provided, single submitter. Criteria: Invitae Variant Classification Sherloc (09022015). Collection method: clinical testing. Allele origin: germline.
Comment: This sequence change replaces tyrosine, which is neutral and polar, with cysteine, which is neutral and slightly polar, at codon 625 of the LRBA protein (p.Tyr625Cys). This variant is present in population databases (no rsID available, gnomAD 0.0009%). This variant has not been reported in the literature in individuals affected with LRBA-related conditions. Algorithms developed to predict the effect of missense changes on protein structure and function are either unavailable or do not agree on the potential impact of this missense change (SIFT: "Deleterious"; PolyPhen-2: "Probably Damaging"; Align-GVGD: "Class C0"). In summary, the available evidence is currently insufficient to determine the role of this variant in disease. Therefore, it has been classified as a Variant of Uncertain Significance.